The following is an entry in ClinVar:

ClinVar aggregate classification (germline): Uncertain significance (1 of 4 stars; one submission).

Conditions:
Juvenile polyposis syndrome (JPS). Identifiers: Orphanet 2929, MedGen C0345893, MONDO:0017380, OMIM 174900.

Submission:

Labcorp Genetics (formerly Invitae), Labcorp
Classification: Uncertain significance for Juvenile polyposis syndrome. Last evaluated: 2021-02-19. Review status: criteria provided, single submitter. Criteria: Invitae Variant Classification Sherloc (09022015). Collection method: clinical testing. Allele origin: germline.
Comment: In summary, the available evidence is currently insufficient to determine the role of this variant in disease. Therefore, it has been classified as a Variant of Uncertain Significance. Advanced modeling of protein sequence and biophysical properties (such as structural, functional, and spatial information, amino acid conservation, physicochemical variation, residue mobility, and thermodynamic stability) performed at Invitae indicates that this missense variant is not expected to disrupt SMAD4 protein function. This variant has not been reported in the literature in individuals with SMAD4-related conditions. This variant is not present in population databases (ExAC no frequency). This sequence change replaces asparagine with aspartic acid at codon 316 of the SMAD4 protein (p.Asn316Asp). The asparagine residue is moderately conserved and there is a small physicochemical difference between asparagine and aspartic acid.

NM_005359.6(SMAD4):c.946A>G (p.Asn316Asp)

Gene: SMAD4 (SMAD family member 4; plus strand). Cytogenetic location: 18q21.2.
Variant type: single nucleotide variant.
Coding change: c.946A>G on transcript NM_005359.6 (MANE Select); coding-DNA position 946, A replaced by G.
Protein change: p.Asn316Asp; replaces asparagine 316 with aspartic acid.
Molecular consequence: missense variant.
Genome position (GRCh38, 1-based): chr18:51,059,907, A>G. VCF-style: chr18-51059907-A-G. GRCh37 (hg19) VCF-style: chr18-48586277-A-G.
Other names: short protein forms N316D.
Identifiers: ClinVar variation 1374240 (VCV001374240.8), dbSNP rs2144433576, ClinGen allele CA402463735.